The following is an entry in ClinVar:

NM_022089.4(ATP13A2):c.3222G>A (p.Pro1074=)

Gene: ATP13A2 (ATPase cation transporting 13A2; minus strand). Cytogenetic location: 1p36.13.
Variant type: single nucleotide variant.
Coding change: c.3222G>A on transcript NM_022089.4 (MANE Select); coding-DNA position 3222, G replaced by A.
Protein change: p.Pro1074=; no amino-acid change (proline 1074 retained).
Molecular consequence: synonymous variant.
Genome position (GRCh38, 1-based): chr1:16,986,818, C>T on the plus strand (G>A on the coding strand, the complement: ATP13A2 is on the minus strand). VCF-style: chr1-16986818-C-T. GRCh37 (hg19) VCF-style: chr1-17313313-C-T.
Other names: c.3207G>A, p.Pro1069= (NM_001141973.3); c.3090G>A, p.Pro1030= (NM_001141974.3).
Identifiers: ClinVar variation 585471 (VCV000585471.17), dbSNP rs372993383, ClinGen allele CA636572.

ClinVar aggregate classification (germline): Conflicting classifications of pathogenicity. Review status: criteria provided, conflicting classifications (1 of 4 stars). 4 submissions from 4 submitters: Uncertain significance (1); Likely benign (3). Last evaluated 2026-01-11.

Conditions:
Autosomal recessive spastic paraplegia type 78. Identifiers: Orphanet 513436, MedGen C5567893, MONDO:0014975, OMIM 617225.
Kufor-Rakeb syndrome (KRS). Also called: PARKINSON DISEASE 9, AUTOSOMAL RECESSIVE, JUVENILE-ONSET. Identifiers: Orphanet 306674, Orphanet 314632, MedGen C1847640, MONDO:0011706, OMIM 606693.

Allele frequency attached by ClinVar (database versions not stated): TOPMed 0.00005; ESP Exome Variant Server 0.00015.

Submissions (4):

Labcorp Genetics (formerly Invitae), Labcorp
Classification: Likely benign for Kufor-Rakeb syndrome; Autosomal recessive spastic paraplegia type 78. Last evaluated: 2026-01-11. Review status: criteria provided, single submitter. Criteria: Invitae Variant Classification Sherloc (09022015). Collection method: clinical testing. Allele origin: germline.

CeGaT Center for Human Genetics Tuebingen
Classification: Likely benign. Last evaluated: 2025-11-01. Review status: criteria provided, single submitter. Criteria: CeGaT Center For Human Genetics Tuebingen Variant Classification Criteria Version 2. Collection method: clinical testing. Allele origin: germline. Affected: yes. Observed: 1 variant allele.
Comment: ATP13A2: BP4, BP7

Blueprint Genetics
Classification: Likely benign. Last evaluated: 2024-09-23. Review status: criteria provided, single submitter. Criteria: ACMG Guidelines, 2015. Collection method: clinical testing. Allele origin: germline.

Athena Diagnostics
Classification: Uncertain significance. Last evaluated: 2017-10-06. Review status: criteria provided, single submitter. Criteria: Athena Diagnostics Criteria. Collection method: clinical testing. Allele origin: germline.